The following is an entry in ClinVar:

NM_002137.4(HNRNPA2B1):c.385A>G (p.Ile129Val)

Gene: HNRNPA2B1 (heterogeneous nuclear ribonucleoprotein A2/B1; minus strand). Cytogenetic location: 7p15.2.
Variant type: single nucleotide variant.
Coding change: c.385A>G on transcript NM_002137.4 (MANE Select); coding-DNA position 385, A replaced by G.
Protein change: p.Ile129Val; replaces isoleucine 129 with valine.
Molecular consequence: missense variant.
Genome position (GRCh38, 1-based): chr7:26,196,897, T>C on the plus strand (A>G on the coding strand, the complement: HNRNPA2B1 is on the minus strand). VCF-style: chr7-26196897-T-C. GRCh37 (hg19) VCF-style: chr7-26236517-T-C.
Other names: c.385A>G, p.Ile129Val (NM_001438063.1, NM_001438571.1, NM_001438572.1 and 4 more transcripts); c.421A>G, p.Ile141Val (NM_001438568.1, NM_001438569.1, NM_001438570.1 and 3 more transcripts); short protein forms I129V, I141V.
Identifiers: ClinVar variation 4747576 (VCV004747576.1).
Genomic context (GRCh38, chr7:26,196,897, plus strand): 5'-CAAAAGTAACAAAGCCAAAGCCTCTTTTCTTTCCAGACTGCCTATCAGTAATTATCTCAA[T>C]GGTATCAATTTTTCCATATTCCTCAAAGTAATCTCTAAGGTGATGTTCCTCAGTATCTTC-3'
Protein context (NP_002128.1, residues 119-139): YFEEYGKIDT[Ile129Val]EIITDRQSGK

ClinVar aggregate classification (germline): Uncertain significance (1 of 4 stars; one submission).

Conditions:
Inclusion body myopathy with early-onset Paget disease with or without frontotemporal dementia 2 (IBMPFD2). Also called: MULTISYSTEM PROTEINOPATHY 2. Identifiers: MedGen C3809468, MONDO:0014178, OMIM 615422.

Submission:

Labcorp Genetics (formerly Invitae), Labcorp
Classification: Uncertain significance for Inclusion body myopathy with early-onset Paget disease with or without frontotemporal dementia 2. Last evaluated: 2025-08-18. Review status: criteria provided, single submitter. Criteria: Invitae Variant Classification Sherloc (09022015). Collection method: clinical testing. Allele origin: germline.
Comment: This sequence change replaces isoleucine, which is neutral and non-polar, with valine, which is neutral and non-polar, at codon 141 of the HNRNPA2B1 protein (p.Ile141Val). This variant is not present in population databases (gnomAD no frequency). This variant has not been reported in the literature in individuals affected with HNRNPA2B1-related conditions. Invitae Evidence Modeling of protein sequence and biophysical properties (such as structural, functional, and spatial information, amino acid conservation, physicochemical variation, residue mobility, and thermodynamic stability) indicates that this missense variant is not expected to disrupt HNRNPA2B1 protein function with a negative predictive value of 80%. In summary, the available evidence is currently insufficient to determine the role of this variant in disease. Therefore, it has been classified as a Variant of Uncertain Significance.